The following is an entry in ClinVar:

ClinVar aggregate classification (germline): Uncertain significance (1 of 4 stars; one submission).

Conditions:
Congenital myasthenic syndrome 8. Also called: MYASTHENIC SYNDROME, CONGENITAL, DUE TO AGRIN DEFICIENCY; Myasthenic syndrome, congenital, 8, with pre- and postsynaptic defects. Identifiers: Orphanet 590, MedGen C3808739, MONDO:0014052, OMIM 615120.

Submission:

Labcorp Genetics (formerly Invitae), Labcorp
Classification: Uncertain significance for Congenital myasthenic syndrome 8. Last evaluated: 2025-12-28. Review status: criteria provided, single submitter. Criteria: Invitae Variant Classification Sherloc (09022015). Collection method: clinical testing. Allele origin: germline.
Comment: This sequence change replaces proline, which is neutral and non-polar, with leucine, which is neutral and non-polar, at codon 1315 of the AGRN protein (p.Pro1315Leu). This variant is present in population databases (no rsID available, gnomAD 0.007%). This variant has not been reported in the literature in individuals affected with AGRN-related conditions. An algorithm developed to predict the effect of missense changes on protein structure and function (PolyPhen-2) suggests that this variant is likely to be tolerated. In summary, the available evidence is currently insufficient to determine the role of this variant in disease. Therefore, it has been classified as a Variant of Uncertain Significance.

NM_198576.4(AGRN):c.3944C>T (p.Pro1315Leu)

Gene: AGRN (agrin; plus strand). Cytogenetic location: 1p36.33.
Variant type: single nucleotide variant.
Coding change: c.3944C>T on transcript NM_198576.4 (MANE Select); coding-DNA position 3944, C replaced by T.
Protein change: p.Pro1315Leu; replaces proline 1315 with leucine.
Molecular consequence: missense variant.
Genome position (GRCh38, 1-based): chr1:1,048,204, C>T. VCF-style: chr1-1048204-C-T. GRCh37 (hg19) VCF-style: chr1-983584-C-T.
Other names: c.3944C>T, p.Pro1315Leu (NM_001305275.2); c.3629C>T, p.Pro1210Leu (NM_001364727.2); short protein forms P1315L, P1210L.
Identifiers: ClinVar variation 4750023 (VCV004750023.1).